The following is an entry in ClinVar:

NM_014633.5(CTR9):c.2632C>T (p.Arg878Trp)

Gene: CTR9 (CTR9 homolog, Paf1/RNA polymerase II complex component; plus strand). Cytogenetic location: 11p15.4.
Variant type: single nucleotide variant.
Coding change: c.2632C>T on transcript NM_014633.5 (MANE Select); coding-DNA position 2632, C replaced by T.
Protein change: p.Arg878Trp; replaces arginine 878 with tryptophan.
Molecular consequence: missense variant.
Genome position (GRCh38, 1-based): chr11:10,773,178, C>T. VCF-style: chr11-10773178-C-T. GRCh37 (hg19) VCF-style: chr11-10794725-C-T.
Other names: c.2560C>T, p.Arg854Trp (NM_001346279.2); short protein forms R854W, R878W.
Identifiers: ClinVar variation 1804226 (VCV001804226.1), dbSNP rs1402421753, ClinGen allele CA379676371.

ClinVar aggregate classification (germline): Uncertain significance (1 of 4 stars; one submission).

Allele frequency attached by ClinVar (database versions not stated): gnomAD exomes below 0.00001.
gnomAD v4.1: 5 of 1,612,196 alleles (0.00031%); highest among the groups gnomAD compares: Non-Finnish European, 0.00034%; no homozygotes.

Submission:

GeneDx
Classification: Uncertain significance. Last evaluated: 2022-06-19. Review status: criteria provided, single submitter. Criteria: GeneDx Variant Classification Process June 2021. Collection method: clinical testing. Allele origin: germline. Affected: yes.
Comment: Not observed at significant frequency in large population cohorts (gnomAD); In silico analysis supports that this missense variant has a deleterious effect on protein structure/function; Has not been previously published as pathogenic or benign to our knowledge